The following is an entry in ClinVar:

NM_002336.3(LRP6):c.4040A>G (p.His1347Arg)

Gene: LRP6 (LDL receptor related protein 6; minus strand). Cytogenetic location: 12p13.2.
Variant type: single nucleotide variant.
Coding change: c.4040A>G on transcript NM_002336.3 (MANE Select); coding-DNA position 4040, A replaced by G.
Protein change: p.His1347Arg; replaces histidine 1347 with arginine.
Molecular consequence: missense variant. On other transcripts: non-coding transcript variant (1).
Genome position (GRCh38, 1-based): chr12:12,130,824, T>C on the plus strand (A>G on the coding strand, the complement: LRP6 is on the minus strand). VCF-style: chr12-12130824-T-C. GRCh37 (hg19) VCF-style: chr12-12283758-T-C.
Other names: c.4040A>G (NM_002336.2); c.4133A>G, p.His1378Arg (NM_001414244.1); c.4040A>G, p.His1347Arg (NM_001414245.1, NM_001414248.1, NM_001414249.1 and 1 more transcripts); c.3905A>G, p.His1302Arg (NM_001414246.1); c.3842A>G, p.His1281Arg (NM_001414247.1); c.3677A>G, p.His1226Arg (NM_001414251.1); c.3587A>G, p.His1196Arg (NM_001414252.1, NM_001414253.1, NM_001414254.1); c.3533A>G, p.His1178Arg (NM_001414255.1); short protein forms H1178R, H1196R, H1226R, H1347R, H1378R, H1281R, H1302R.
Identifiers: ClinVar variation 3714822 (VCV003714822.3).

ClinVar aggregate classification (germline): Uncertain significance. Review status: criteria provided, multiple submitters, no conflicts (2 of 4 stars). 2 submissions from 2 submitters: Uncertain significance (2). Last evaluated 2024-12-25.

Conditions:
Inborn genetic diseases. Identifiers: MedGen C0950123, MeSH D030342.

gnomAD v4.1: 8 of 1,613,690 alleles (0.0005%); highest among the groups gnomAD compares: Admixed American, 0.0067%; no homozygotes.

Submissions (2):

Ambry Genetics
Classification: Uncertain significance for Inborn genetic diseases. Last evaluated: 2024-12-25. Review status: criteria provided, single submitter. Criteria: Ambry Variant Classification Scheme 2023. Collection method: clinical testing. Allele origin: germline.

Labcorp Genetics (formerly Invitae), Labcorp
Classification: Uncertain significance. Last evaluated: 2024-04-09. Review status: criteria provided, single submitter. Criteria: Invitae Variant Classification Sherloc (09022015). Collection method: clinical testing. Allele origin: germline.
Comment: This sequence change replaces histidine, which is basic and polar, with arginine, which is basic and polar, at codon 1347 of the LRP6 protein (p.His1347Arg). This variant is present in population databases (rs762517128, gnomAD 0.002%). This variant has not been reported in the literature in individuals affected with LRP6-related conditions. Advanced modeling of protein sequence and biophysical properties (such as structural, functional, and spatial information, amino acid conservation, physicochemical variation, residue mobility, and thermodynamic stability) performed at Invitae indicates that this missense variant is not expected to disrupt LRP6 protein function with a negative predictive value of 80%. In summary, the available evidence is currently insufficient to determine the role of this variant in disease. Therefore, it has been classified as a Variant of Uncertain Significance.